The following is an entry in ClinVar:

ClinVar aggregate classification (germline): Uncertain significance. Review status: criteria provided, multiple submitters, no conflicts (2 of 4 stars). 2 submissions from 2 submitters: Uncertain significance (2). Last evaluated 2022-05-07.

Allele frequency attached by ClinVar (database versions not stated): ESP Exome Variant Server 0.00008.
gnomAD v4.1: 54 of 1,613,876 alleles (0.0033%); highest among the groups gnomAD compares: Non-Finnish European, 0.0045%; no homozygotes.

Submissions (2):

Labcorp Genetics (formerly Invitae), Labcorp
Classification: Uncertain significance. Last evaluated: 2022-05-07. Review status: criteria provided, single submitter. Criteria: Invitae Variant Classification Sherloc (09022015). Collection method: clinical testing. Allele origin: germline.
Comment: This sequence change replaces arginine, which is basic and polar, with leucine, which is neutral and non-polar, at codon 660 of the LTBP2 protein (p.Arg660Leu). This variant is present in population databases (rs140341018, gnomAD 0.006%). This variant has not been reported in the literature in individuals affected with LTBP2-related conditions. ClinVar contains an entry for this variant (Variation ID: 1314219). Algorithms developed to predict the effect of missense changes on protein structure and function (SIFT, PolyPhen-2, Align-GVGD) all suggest that this variant is likely to be disruptive. In summary, the available evidence is currently insufficient to determine the role of this variant in disease. Therefore, it has been classified as a Variant of Uncertain Significance.

GeneDx
Classification: Uncertain significance. Last evaluated: 2020-01-24. Review status: criteria provided, single submitter. Criteria: GeneDx Variant Classification Process June 2021. Collection method: clinical testing. Allele origin: germline. Affected: yes.
Comment: In silico analysis, which includes protein predictors and evolutionary conservation, supports a deleterious effect; Has not been previously published as pathogenic or benign to our knowledge

NM_000428.3(LTBP2):c.1979G>T (p.Arg660Leu)

Gene: LTBP2 (latent transforming growth factor beta binding protein 2; minus strand). Cytogenetic location: 14q24.3.
Variant type: single nucleotide variant.
Coding change: c.1979G>T on transcript NM_000428.3 (MANE Select); coding-DNA position 1979, G replaced by T.
Protein change: p.Arg660Leu; replaces arginine 660 with leucine.
Molecular consequence: missense variant.
Genome position (GRCh38, 1-based): chr14:74,532,434, C>A on the plus strand (G>T on the coding strand, the complement: LTBP2 is on the minus strand). VCF-style: chr14-74532434-C-A. GRCh37 (hg19) VCF-style: chr14-74999137-C-A.
Other names: short protein forms R660L.
Identifiers: ClinVar variation 1314219 (VCV001314219.5), dbSNP rs140341018, ClinGen allele CA7269691.